The following is an entry in ClinVar:

ClinVar aggregate classification (germline): Uncertain significance (1 of 4 stars; one submission).

Submission:

Labcorp Genetics (formerly Invitae), Labcorp
Classification: Uncertain significance. Last evaluated: 2025-01-20. Review status: criteria provided, single submitter. Criteria: Invitae Variant Classification Sherloc (09022015). Collection method: clinical testing. Allele origin: germline.
Comment: This sequence change replaces arginine, which is basic and polar, with lysine, which is basic and polar, at codon 1435 of the POLR1A protein (p.Arg1435Lys). This variant is not present in population databases (gnomAD no frequency). This variant has not been reported in the literature in individuals affected with POLR1A-related conditions. Invitae Evidence Modeling of protein sequence and biophysical properties (such as structural, functional, and spatial information, amino acid conservation, physicochemical variation, residue mobility, and thermodynamic stability) indicates that this missense variant is not expected to disrupt POLR1A protein function with a negative predictive value of 80%. In summary, the available evidence is currently insufficient to determine the role of this variant in disease. Therefore, it has been classified as a Variant of Uncertain Significance.

NM_015425.6(POLR1A):c.4304G>A (p.Arg1435Lys)

Gene: POLR1A (RNA polymerase I subunit A; minus strand). Cytogenetic location: 2p11.2.
Variant type: single nucleotide variant.
Coding change: c.4304G>A on transcript NM_015425.6 (MANE Select); coding-DNA position 4304, G replaced by A.
Protein change: p.Arg1435Lys; replaces arginine 1435 with lysine.
Molecular consequence: missense variant.
Genome position (GRCh38, 1-based): chr2:86,031,604, C>T on the plus strand (G>A on the coding strand, the complement: POLR1A is on the minus strand). VCF-style: chr2-86031604-C-T. GRCh37 (hg19) VCF-style: chr2-86258727-C-T.
Other names: short protein forms R1435K.
Identifiers: ClinVar variation 3711303 (VCV003711303.2).
Genomic context (GRCh38, chr2:86,031,604, plus strand): 5'-CCTTCCCTGTGGGGATTTCGTTCCTCCTGCATGTCTTCATCGTCGTTCTCCTCGCCCTCC[C>T]TCTCCTCCTCTTCCTCACTCTCATAATCAACCTGGCAGAAAAGGGAGCACAGGCTGTGTC-3'
Protein context (NP_056240.2, residues 1425-1445): VDYESEEEEE[Arg1435Lys]EGEENDDEDM